The following is an entry in ClinVar:

NM_206926.2(SELENON):c.563G>A (p.Trp188Ter)

Gene: SELENON (selenoprotein N; plus strand). Cytogenetic location: 1p36.11.
Variant type: single nucleotide variant.
Coding change: c.563G>A on transcript NM_206926.2 (MANE Select); coding-DNA position 563, G replaced by A.
Protein change: p.Trp188Ter; replaces tryptophan 188 with a stop codon.
Molecular consequence: nonsense.
Genome position (GRCh38, 1-based): chr1:25,808,707, G>A. VCF-style: chr1-25808707-G-A. GRCh37 (hg19) VCF-style: chr1-26135198-G-A.
Other names: c.665G>A, p.Trp222Ter (NM_020451.3); short protein forms W222*, W188*.
Identifiers: ClinVar variation 461634 (VCV000461634.7), dbSNP rs1553120047, ClinGen allele CA339112027.

ClinVar aggregate classification (germline): Pathogenic (1 of 4 stars; one submission).

Conditions:
Eichsfeld type congenital muscular dystrophy (CMYO3). Also called: MYOPATHY, SEPN1-RELATED; SELENON-related myopathy; Congenital myopathy 3 with rigid spine; Rigid spine muscular dystrophy 1. Identifiers: MedGen C0410180, MONDO:0100100, OMIM 602771.

Submission:

Labcorp Genetics (formerly Invitae), Labcorp
Classification: Pathogenic for Eichsfeld type congenital muscular dystrophy. Last evaluated: 2022-07-06. Review status: criteria provided, single submitter. Criteria: Invitae Variant Classification Sherloc (09022015). Collection method: clinical testing. Allele origin: germline.
Comment: This sequence change creates a premature translational stop signal (p.Trp222*) in the SEPN1 gene. It is expected to result in an absent or disrupted protein product. Loss-of-function variants in SEPN1 are known to be pathogenic (PMID: 21131290, 21670436). This variant is not present in population databases (gnomAD no frequency). For these reasons, this variant has been classified as Pathogenic. ClinVar contains an entry for this variant (Variation ID: 461634). This premature translational stop signal has been observed in individual(s) with SEPN1-related myopathy (PMID: 32796131).

Literature cited by the submitters: PubMed 21131290; PubMed 21670436; PubMed 32796131.